The following is an entry in ClinVar:

NM_000169.3(GLA):c.1265A>T (p.Gln422Leu)

Genes: RPL36A-HNRNPH2 (RPL36A-HNRNPH2 readthrough; plus strand), GLA (galactosidase alpha; minus strand). Cytogenetic location: Xq22.1.
Variant type: single nucleotide variant.
Coding change: c.1265A>T on transcript NM_000169.3 (MANE Select); coding-DNA position 1265, A replaced by T.
Protein change: p.Gln422Leu; replaces glutamine 422 with leucine.
Molecular consequence: missense variant. On other transcripts: non-coding transcript variant (3), intron variant (2).
Genome position (GRCh38, 1-based): chrX:101,397,834, T>A on the plus strand (A>T on the coding strand, the complement: GLA is on the minus strand). VCF-style: chrX-101397834-T-A. GRCh37 (hg19) VCF-style: chrX-100652822-T-A.
Other names: c.1388A>T, p.Gln463Leu (NM_001406747.1); c.300+2377T>A (NM_001199973.2); c.177+6012T>A (NM_001199974.2); short protein forms Q422L, Q463L.
Identifiers: ClinVar variation 926860 (VCV000926860.6), dbSNP rs1928113901, ClinGen allele CA413918779.
Genomic context (GRCh38, chrX:101,397,834, plus strand): 5'-GACAGGAAGTAGTAGTTGGCAATAAAATAAACATTTTAAAGTAAGTCTTTTAATGACATC[T>A]GCATTGTATTTTCTAGCTGAAGCAAAACAGTGCCTGTGGGATTTATGTGACTTCTTAACC-3'
Protein context (NP_000160.1, residues 412-429): TVLLQLENTM[Gln422Leu]MSLKDLL

ClinVar aggregate classification (germline): Uncertain significance. Review status: criteria provided, multiple submitters, no conflicts (2 of 4 stars). 2 submissions from 2 submitters: Uncertain significance (2). Last evaluated 2025-12-01.

Conditions:
Fabry disease. Also called: ALPHA-GALACTOSIDASE A DEFICIENCY; ANDERSON-FABRY DISEASE; CERAMIDE TRIHEXOSIDASE DEFICIENCY; GLA DEFICIENCY; HEREDITARY DYSTOPIC LIPIDOSIS; Fabry's disease. Identifiers: Orphanet 324, MedGen C0002986, MONDO:0010526, OMIM 301500, HP:0001071. Disease mechanism: loss of function, Fabry disease is due to inactivating mutations in the X-linked GLA gene resulting in deficiency of the enzyme Alpha Galactosidase-A..

Submissions (2):

Labcorp Genetics (formerly Invitae), Labcorp
Classification: Uncertain significance for Fabry disease. Last evaluated: 2025-12-01. Review status: criteria provided, single submitter. Criteria: Invitae Variant Classification Sherloc (09022015). Collection method: clinical testing. Allele origin: germline.
Comment: This sequence change replaces glutamine, which is neutral and polar, with leucine, which is neutral and non-polar, at codon 422 of the GLA protein (p.Gln422Leu). This variant is not present in population databases (gnomAD no frequency). This variant has not been reported in the literature in individuals affected with GLA-related conditions. ClinVar contains an entry for this variant (Variation ID: 926860). Invitae Evidence Modeling of protein sequence and biophysical properties (such as structural, functional, and spatial information, amino acid conservation, physicochemical variation, residue mobility, and thermodynamic stability) indicates that this missense variant is not expected to disrupt GLA protein function with a negative predictive value of 95%. In summary, the available evidence is currently insufficient to determine the role of this variant in disease. Therefore, it has been classified as a Variant of Uncertain Significance.

Color Diagnostics, LLC DBA Color Health
Classification: Uncertain significance for Fabry disease. Last evaluated: 2023-12-04. Review status: criteria provided, single submitter. Criteria: ACMG Guidelines, 2015. Collection method: clinical testing. Allele origin: germline.
Comment: Variant of Uncertain Significance due to insufficient evidence: This missense variant replaces glutamine with leucine at codon 422 of the GLA protein. Computational prediction tools and conservation analyses are inconclusive regarding the impact of this variant on the protein function. Computational splicing tools suggest that this variant may not impact RNA splicing. To our knowledge, functional assays have not been performed for this variant nor has this variant been reported in individuals affected with cardiovascular disorders in the literature. This variant is rare in the general population and has been identified in 0/277264 chromosomes by the Genome Aggregation Database (gnomAD). Available evidence is insufficient to determine the pathogenicity of this variant conclusively.